The following is an entry in ClinVar:

NM_000548.5(TSC2):c.763C>G (p.Pro255Ala)

Gene: TSC2 (TSC complex subunit 2; plus strand). Cytogenetic location: 16p13.3.
Variant type: single nucleotide variant.
Coding change: c.763C>G on transcript NM_000548.5 (MANE Select); coding-DNA position 763, C replaced by G.
Protein change: p.Pro255Ala; replaces proline 255 with alanine.
Molecular consequence: missense variant. On other transcripts: 5 prime UTR variant (10), non-coding transcript variant (5).
Genome position (GRCh38, 1-based): chr16:2,056,758, C>G. VCF-style: chr16-2056758-C-G. GRCh37 (hg19) VCF-style: chr16-2106759-C-G.
Other names: c.763C>G, p.Pro255Ala (NM_001363528.2, NM_001370404.1, NM_001370405.1 and 6 more transcripts); c.853C>G, p.Pro285Ala (NM_001406667.1, NM_001406668.1); c.652C>G, p.Pro218Ala (NM_001406670.1, NM_001318827.2, NM_001406678.1); c.796C>G, p.Pro266Ala (NM_001318832.2); c.616C>G, p.Pro206Ala (NM_001318829.2, NM_001406675.1, NM_001406676.1 and 1 more transcripts); c.163C>G, p.Pro55Ala (NM_001318831.2, NM_001406680.1, NM_001406682.1 and 6 more transcripts); c.751C>G, p.Pro251Ala (NM_001406671.1, NM_001406673.1); c.706C>G, p.Pro236Ala (NM_001406677.1); and 4 more; short protein forms P285A, P55A, P218A, P255A, P101A, P206A, P236A, P251A.
Identifiers: ClinVar variation 4192155 (VCV004192155.1).

ClinVar aggregate classification (germline): Uncertain significance (1 of 4 stars; one submission).

Conditions:
Hereditary cancer-predisposing syndrome. Also called: Neoplastic Syndromes, Hereditary; Tumor predisposition; Hereditary Cancer Syndrome; Hereditary neoplastic syndrome. Identifiers: Orphanet 140162, MedGen C0027672, MeSH D009386, MONDO:0015356.

gnomAD v4.1: 4 of 1,609,506 alleles (0.00025%); highest among the groups gnomAD compares: Non-Finnish European, 0.00034%; no homozygotes.

Submission:

Ambry Genetics
Classification: Uncertain significance for Hereditary cancer-predisposing syndrome. Last evaluated: 2025-07-12. Review status: criteria provided, single submitter. Criteria: Ambry Variant Classification Scheme 2023. Collection method: clinical testing. Allele origin: germline.
Comment: The p.P255A variant (also known as c.763C>G), located in coding exon 7 of the TSC2 gene, results from a C to G substitution at nucleotide position 763. The proline at codon 255 is replaced by alanine, an amino acid with highly similar properties. This amino acid position is conserved. In addition, the in silico prediction for this alteration is inconclusive. Based on the available evidence, the clinical significance of this variant remains unclear.